The following is an entry in ClinVar:

ClinVar aggregate classification (germline): Uncertain significance (1 of 4 stars; one submission).

Conditions:
Developmental and epileptic encephalopathy, 23 (DEE23). Also called: Epileptic encephalopathy, early infantile, 23. Identifiers: Orphanet 411986, MedGen C4014492, MONDO:0014371, OMIM 615859.

Allele frequency attached by ClinVar (database versions not stated): TOPMed 0.00001.

Submission:

Labcorp Genetics (formerly Invitae), Labcorp
Classification: Uncertain significance for Developmental and epileptic encephalopathy, 23. Last evaluated: 2019-05-07. Review status: criteria provided, single submitter. Criteria: Invitae Variant Classification Sherloc (09022015). Collection method: clinical testing. Allele origin: germline.
Comment: In summary, the available evidence is currently insufficient to determine the role of this variant in disease. Therefore, it has been classified as a Variant of Uncertain Significance. Algorithms developed to predict the effect of missense changes on protein structure and function (SIFT, PolyPhen-2, Align-GVGD) all suggest that this variant is likely to be tolerated, but these predictions have not been confirmed by published functional studies and their clinical significance is uncertain. This variant has not been reported in the literature in individuals with DOCK7-related disease. This variant is not present in population databases (ExAC no frequency). This sequence change replaces glutamine with arginine at codon 226 of the DOCK7 protein (p.Gln226Arg). The glutamine residue is moderately conserved and there is a small physicochemical difference between glutamine and arginine.

NM_001367561.1(DOCK7):c.677A>G (p.Gln226Arg)

Gene: DOCK7 (dedicator of cytokinesis 7; minus strand). Cytogenetic location: 1p31.3.
Variant type: single nucleotide variant.
Coding change: c.677A>G on transcript NM_001367561.1 (MANE Select); coding-DNA position 677, A replaced by G.
Protein change: p.Gln226Arg; replaces glutamine 226 with arginine.
Molecular consequence: missense variant.
Genome position (GRCh38, 1-based): chr1:62,648,161, T>C on the plus strand (A>G on the coding strand, the complement: DOCK7 is on the minus strand). VCF-style: chr1-62648161-T-C. GRCh37 (hg19) VCF-style: chr1-63113832-T-C.
Other names: c.677A>G, p.Gln226Arg (NM_001271999.2, NM_001272000.2, NM_001272001.2 and 3 more transcripts); short protein forms Q226R.
Identifiers: ClinVar variation 660825 (VCV000660825.11), dbSNP rs1199986414, ClinGen allele CA340627224.